The following is an entry in ClinVar:

NM_005422.4(TECTA):c.4342C>T (p.Arg1448Cys)

Genes: TBCEL-TECTA (TBCEL-TECTA readthrough; plus strand), TECTA (tectorin alpha; plus strand). Cytogenetic location: 11q23.3.
Variant type: single nucleotide variant.
Coding change: c.4342C>T on transcript NM_005422.4 (MANE Select); coding-DNA position 4342, C replaced by T.
Protein change: p.Arg1448Cys; replaces arginine 1448 with cysteine.
Molecular consequence: missense variant.
Genome position (GRCh38, 1-based): chr11:121,157,877, C>T. VCF-style: chr11-121157877-C-T. GRCh37 (hg19) VCF-style: chr11-121028586-C-T.
Other names: c.5299C>T, p.Arg1767Cys (NM_001378761.1); short protein forms R1448C, R1767C.
Identifiers: ClinVar variation 1693077 (VCV001693077.2), dbSNP rs2135120141, ClinGen allele CA383026666.

ClinVar aggregate classification (germline): Uncertain significance (1 of 4 stars; one submission).

Submission:

GeneDx
Classification: Uncertain significance. Last evaluated: 2021-12-22. Review status: criteria provided, single submitter. Criteria: GeneDx Variant Classification Process June 2021. Collection method: clinical testing. Allele origin: germline. Affected: yes.
Comment: Not observed at significant frequency in large population cohorts (gnomAD); In silico analysis supports that this missense variant has a deleterious effect on protein structure/function; Has not been previously published as pathogenic or benign to our knowledge; This variant is associated with the following publications: (PMID: 31554319, 9590290, 21520338)